The following is an entry in ClinVar:

NM_005236.3(ERCC4):c.516_517del (p.Thr173fs)

Gene: ERCC4 (ERCC excision repair 4, endonuclease catalytic subunit; plus strand). Cytogenetic location: 16p13.12.
Variant type: Deletion.
Coding change: c.516_517del on transcript NM_005236.3 (MANE Select); coding-DNA positions 516 to 517, 2 bases deleted (TA; older notation c.516_517delTA).
Protein change: p.Thr173fs; shifts the reading frame from threonine 173.
Molecular consequence: frameshift variant.
Genome position (GRCh38, 1-based): chr16:13,926,688-13,926,689, TA deleted; deleting any 2 consecutive bases within chr16:13,926,687-13,926,689 gives the same sequence; the c. name uses the placement nearest the transcript's 3' end. VCF-style (leftmost placement, unchanged base first): chr16-13926686-GAT-G. GRCh37 (hg19) VCF-style: chr16-14020543-GAT-G.
Other names: short protein forms T173fs.
Identifiers: ClinVar variation 929554 (VCV000929554.3), dbSNP rs2032078984, ClinGen allele CA1139664530.

ClinVar aggregate classification (germline): Pathogenic. Review status: criteria provided, single submitter (1 of 4 stars). 2 submissions from 2 submitters: Pathogenic (1). 1 of the submissions does not count toward it. Last evaluated 2020-10-23.

Submissions (2):

Institute of Medical Genetics and Applied Genomics, University Hospital Tübingen
Classification: Pathogenic. Last evaluated: 2020-10-23. Review status: criteria provided, single submitter. Criteria: ACMG Guidelines, 2015. Collection method: clinical testing. Allele origin: germline. Inheritance: Unknown mechanism. Affected: yes.

Leiden Open Variation Database
Classification: Pathogenic. Last evaluated: 2019-04-18. Review status: no assertion criteria provided. Collection method: curation. Allele origin: germline. Affected: yes. Not counted in ClinVar's aggregate classification.
Comment: Curator: Arleen D. Auerbach. Submitter to LOVD: IMGAG. Comment: Variant observed de novo.